The following is an entry in ClinVar:

ClinVar aggregate classification (germline): Uncertain significance. Review status: criteria provided, multiple submitters, no conflicts (2 of 4 stars). 2 submissions from 2 submitters: Uncertain significance (2). Last evaluated 2025-03-01.

Conditions:
Early-infantile DEE. Also called: Early infantile epileptic encephalopathy; Ohtahara syndrome; Early infantile epileptic encephalopathy with suppression bursts. Identifiers: Orphanet 1934, MedGen C0393706, MONDO:0800491.
Inborn genetic diseases. Identifiers: MedGen C0950123, MeSH D030342.

gnomAD v4.1: 3 of 1,613,936 alleles (0.00019%); highest among the groups gnomAD compares: Admixed American, 0.0017%; no homozygotes.

Submissions (2):

Ambry Genetics
Classification: Uncertain significance for Inborn genetic diseases. Last evaluated: 2025-03-01. Review status: criteria provided, single submitter. Criteria: Ambry Variant Classification Scheme 2023. Collection method: clinical testing. Allele origin: germline.

Labcorp Genetics (formerly Invitae), Labcorp
Classification: Uncertain significance for Early-infantile DEE. Last evaluated: 2025-01-11. Review status: criteria provided, single submitter. Criteria: Invitae Variant Classification Sherloc (09022015). Collection method: clinical testing. Allele origin: germline.
Comment: This sequence change replaces valine, which is neutral and non-polar, with methionine, which is neutral and non-polar, at codon 1362 of the SPTAN1 protein (p.Val1362Met). This variant is not present in population databases (gnomAD no frequency). This variant has not been reported in the literature in individuals affected with SPTAN1-related conditions. Invitae Evidence Modeling of protein sequence and biophysical properties (such as structural, functional, and spatial information, amino acid conservation, physicochemical variation, residue mobility, and thermodynamic stability) has been performed for this missense variant. However, the output from this modeling did not meet the statistical confidence thresholds required to predict the impact of this variant on SPTAN1 protein function. In summary, the available evidence is currently insufficient to determine the role of this variant in disease. Therefore, it has been classified as a Variant of Uncertain Significance.

NM_001130438.3(SPTAN1):c.4084G>A (p.Val1362Met)

Gene: SPTAN1 (spectrin alpha, non-erythrocytic 1; plus strand). Cytogenetic location: 9q34.11.
Variant type: single nucleotide variant.
Coding change: c.4084G>A on transcript NM_001130438.3 (MANE Select); coding-DNA position 4084, G replaced by A.
Protein change: p.Val1362Met; replaces valine 1362 with methionine.
Molecular consequence: missense variant.
Genome position (GRCh38, 1-based): chr9:128,607,641, G>A. VCF-style: chr9-128607641-G-A. GRCh37 (hg19) VCF-style: chr9-131369920-G-A.
Other names: c.4084G>A (NM_001130438.2); c.4024G>A, p.Val1342Met (NM_001195532.2, NM_001363765.2, NM_001375314.2); c.4084G>A, p.Val1362Met (NM_001363759.2, NM_001375310.1, NM_001375311.2 and 2 more transcripts); c.4120G>A, p.Val1374Met (NM_001375312.2, NM_001375318.1); short protein forms V1362M, V1374M, V1342M.
Identifiers: ClinVar variation 3635915 (VCV003635915.3).
Genomic context (GRCh38, chr9:128,607,641, plus strand): 5'-TTTTCTGGGGTGCTGGTTTCCAGGGACCTCATGTCTTGGATCAATGGAATACGGGGGTTG[G>A]TGTCCTCAGATGAGCTAGCCAAGGATGTCACCGGAGCTGAGGCATTGCTGGAGCGACACC-3'
Protein context (NP_001123910.1, residues 1352-1372): MSWINGIRGL[Val1362Met]SSDELAKDVT